The following is an entry in ClinVar:

ClinVar aggregate classification (germline): Uncertain significance (1 of 4 stars; one submission).

Conditions:
Hereditary cancer-predisposing syndrome. Also called: Hereditary neoplastic syndrome; Hereditary Cancer Syndrome; Neoplastic Syndromes, Hereditary; Tumor predisposition. Identifiers: Orphanet 140162, MedGen C0027672, MeSH D009386, MONDO:0015356.

Submission:

Ambry Genetics
Classification: Uncertain significance for Hereditary cancer-predisposing syndrome. Last evaluated: 2023-06-10. Review status: criteria provided, single submitter. Criteria: Ambry Variant Classification Scheme 2023. Collection method: clinical testing. Allele origin: germline.
Comment: The p.A1064D variant (also known as c.3191C>A), located in coding exon 5 of the MSH6 gene, results from a C to A substitution at nucleotide position 3191. The alanine at codon 1064 is replaced by aspartic acid, an amino acid with dissimilar properties. This amino acid position is conserved. In addition, this alteration is predicted to be deleterious by in silico analysis. Since supporting evidence is limited at this time, the clinical significance of this alteration remains unclear.

NM_000179.3(MSH6):c.3191C>A (p.Ala1064Asp)

Gene: MSH6 (mutS homolog 6; plus strand). Cytogenetic location: 2p16.3.
Variant type: single nucleotide variant.
Coding change: c.3191C>A on transcript NM_000179.3 (MANE Select); coding-DNA position 3191, C replaced by A.
Protein change: p.Ala1064Asp; replaces alanine 1064 with aspartic acid.
Molecular consequence: missense variant. On other transcripts: 5 prime UTR variant (1), non-coding transcript variant (5), intron variant (1).
Genome position (GRCh38, 1-based): chr2:47,803,438, C>A. VCF-style: chr2-47803438-C-A. GRCh37 (hg19) VCF-style: chr2-48030577-C-A.
Other names: c.1625C>A, p.Ala542Asp (NM_001406817.1); c.2894C>A, p.Ala965Asp (NM_001406818.1, NM_001406824.1, NM_001406825.1 and 10 more transcripts); c.2285C>A, p.Ala762Asp (NM_001406823.1, NM_001281493.2, NM_001281494.2 and 6 more transcripts); c.2801C>A, p.Ala934Asp (NM_001281492.2); c.3287C>A, p.Ala1096Asp (NM_001406795.1, NM_001406802.1); c.3191C>A, p.Ala1064Asp (NM_001406796.1, NM_001406800.1, NM_001406808.1 and 1 more transcripts); c.2666C>A, p.Ala889Asp (NM_001406799.1, NM_001406806.1, NM_001406807.1); c.2327C>A, p.Ala776Asp (NM_001406803.1); and 7 more; short protein forms A1064D, A13D, A379D, A889D, A965D, A1038D, A776D, A934D.
Identifiers: ClinVar variation 2567496 (VCV002567496.2), dbSNP rs369042519, ClinGen allele CA346757847.